The following is an entry in ClinVar:

ClinVar aggregate classification (germline): Pathogenic (1 of 4 stars; one submission).

Conditions:
Ataxia-telangiectasia syndrome (AT). Also called: Ataxia-telangiectasia, complementation group D; AT, COMPLEMENTATION GROUP C; ATAXIA-TELANGIECTASIA, COMPLEMENTATION GROUP A; ATAXIA-TELANGIECTASIA, FRESNO VARIANT; Ataxia-telangiectasia; Ataxia-telangiectasia, complementation group E. Identifiers: Orphanet 100, MedGen C0004135, MONDO:0008840, OMIM 208900.

Submission:

Labcorp Genetics (formerly Invitae), Labcorp
Classification: Pathogenic for Ataxia-telangiectasia syndrome. Last evaluated: 2024-06-21. Review status: criteria provided, single submitter. Criteria: Invitae Variant Classification Sherloc (09022015). Collection method: clinical testing. Allele origin: germline.
Comment: This sequence change creates a premature translational stop signal (p.Tyr2398*) in the ATM gene. It is expected to result in an absent or disrupted protein product. Loss-of-function variants in ATM are known to be pathogenic (PMID: 23807571, 25614872). This variant is not present in population databases (gnomAD no frequency). This variant has not been reported in the literature in individuals affected with ATM-related conditions. For these reasons, this variant has been classified as Pathogenic.

Literature cited by the submitters: PubMed 23807571; PubMed 25614872.

NM_000051.4(ATM):c.7194C>G (p.Tyr2398Ter)

Genes: ATM (ATM serine/threonine kinase; plus strand), C11orf65 (chromosome 11 open reading frame 65; minus strand). Cytogenetic location: 11q22.3.
Variant type: single nucleotide variant.
Coding change: c.7194C>G on transcript NM_000051.4 (MANE Select); coding-DNA position 7194, C replaced by G.
Protein change: p.Tyr2398Ter; replaces tyrosine 2398 with a stop codon.
Molecular consequence: nonsense. On other transcripts: intron variant (2).
Genome position (GRCh38, 1-based): chr11:108,329,125, C>G. VCF-style: chr11-108329125-C-G. GRCh37 (hg19) VCF-style: chr11-108199852-C-G.
Other names: c.7194C>G, p.Tyr2398Ter (NM_001351834.2); c.641-20054G>C (NM_001330368.2); c.*38+6095G>C (NM_001351110.2); short protein forms Y2398*.
Identifiers: ClinVar variation 3657221 (VCV003657221.2).